The following is an entry in ClinVar:

ClinVar aggregate classification (germline): Uncertain significance (1 of 4 stars; one submission).

Submission:

Labcorp Genetics (formerly Invitae), Labcorp
Classification: Uncertain significance. Last evaluated: 2023-03-31. Review status: criteria provided, single submitter. Criteria: Invitae Variant Classification Sherloc (09022015). Collection method: clinical testing. Allele origin: germline.
Comment: In summary, the available evidence is currently insufficient to determine the role of this variant in disease. Therefore, it has been classified as a Variant of Uncertain Significance. Advanced modeling of protein sequence and biophysical properties (such as structural, functional, and spatial information, amino acid conservation, physicochemical variation, residue mobility, and thermodynamic stability) performed at Invitae indicates that this missense variant is expected to disrupt RALA protein function. This variant has not been reported in the literature in individuals affected with RALA-related conditions. This variant is not present in population databases (gnomAD no frequency). This sequence change replaces arginine, which is basic and polar, with glutamine, which is neutral and polar, at codon 84 of the RALA protein (p.Arg84Gln).

NM_005402.4(RALA):c.251G>A (p.Arg84Gln)

Gene: RALA (RAS like proto-oncogene A; plus strand). Cytogenetic location: 7p14.1.
Variant type: single nucleotide variant.
Coding change: c.251G>A on transcript NM_005402.4 (MANE Select); coding-DNA position 251, G replaced by A.
Protein change: p.Arg84Gln; replaces arginine 84 with glutamine.
Molecular consequence: missense variant.
Genome position (GRCh38, 1-based): chr7:39,690,518, G>A. VCF-style: chr7-39690518-G-A. GRCh37 (hg19) VCF-style: chr7-39730117-G-A.
Other names: short protein forms R84Q.
Identifiers: ClinVar variation 2788775 (VCV002788775.3), dbSNP rs2534039118, ClinGen allele CA367305269.